The following is an entry in ClinVar:

NM_025137.4(SPG11):c.1235C>G (p.Ser412Ter)

Gene: SPG11 (SPG11 vesicle trafficking associated, spatacsin; minus strand). Cytogenetic location: 15q21.1.
Variant type: single nucleotide variant.
Coding change: c.1235C>G on transcript NM_025137.4 (MANE Select); coding-DNA position 1235, C replaced by G.
Protein change: p.Ser412Ter; replaces serine 412 with a stop codon.
Molecular consequence: nonsense.
Genome position (GRCh38, 1-based): chr15:44,651,712, G>C on the plus strand (C>G on the coding strand, the complement: SPG11 is on the minus strand). VCF-style: chr15-44651712-G-C. GRCh37 (hg19) VCF-style: chr15-44943910-G-C.
Other names: c.1235C>G, p.Ser412Ter (NM_001160227.2); short protein forms S412*.
Identifiers: ClinVar variation 41269 (VCV000041269.15), dbSNP rs312262723, ClinGen allele CA344293.

ClinVar aggregate classification (germline): Pathogenic/Likely pathogenic. Review status: criteria provided, multiple submitters, no conflicts (2 of 4 stars). 7 submissions from 7 submitters: Pathogenic (4); Likely pathogenic (2). 1 of the submissions does not count toward it. Last evaluated 2024-01-04.

Conditions:
Amyotrophic lateral sclerosis type 5 (ALS5). Also called: AMYOTROPHIC LATERAL SCLEROSIS 5, JUVENILE. Identifiers: Orphanet 300605, MedGen C1865864, MONDO:0011196, OMIM 602099.
Charcot-Marie-Tooth disease axonal type 2X. Also called: CHARCOT-MARIE-TOOTH DISEASE, AXONAL, AUTOSOMAL RECESSIVE, TYPE 2X; CHARCOT-MARIE-TOOTH NEUROPATHY, TYPE 2X. Identifiers: Orphanet 466775, MedGen C5569024, MONDO:0014726, OMIM 616668.
Hereditary spastic paraplegia 11. Also called: SPASTIC PARAPLEGIA, AUTOSOMAL RECESSIVE, COMPLICATED, WITH THIN CORPUS CALLOSUM; SPASTIC PARAPLEGIA, AUTOSOMAL RECESSIVE, WITH MENTAL IMPAIRMENT AND THIN CORPUS CALLOSUM; Spastic paraplegia, mental retardation and thin corpus callosum; Spastic Paraplegia 11; Nakamura Osame syndrome; Autosomal recessive hereditary spastic paraplegia, mental impairment, and thin corpus callosum. Identifiers: Orphanet 2822, MedGen C1858479, MONDO:0011445, OMIM 604360.

Allele frequency attached by ClinVar (database versions not stated): TOPMed below 0.00001.
gnomAD v4.1: 7 of 1,614,172 alleles (0.00043%); highest among the groups gnomAD compares: African/African-American, 0.0013%; no homozygotes.

Submissions (7):

Fulgent Genetics
Classification: Pathogenic for Amyotrophic lateral sclerosis type 5; Hereditary spastic paraplegia 11; Charcot-Marie-Tooth disease axonal type 2X. Last evaluated: 2024-01-04. Review status: criteria provided, single submitter. Criteria: ACMG Guidelines, 2015. Collection method: clinical testing. Allele origin: germline.

Institute of Human Genetics Munich, TUM University Hospital
Classification: Pathogenic for Hereditary spastic paraplegia 11. Last evaluated: 2023-07-07. Review status: criteria provided, single submitter. Criteria: Classification criteria August 2017. Collection method: clinical testing. Allele origin: germline. Inheritance: Autosomal recessive inheritance. Affected: yes. Observed: 1 variant allele.

Labcorp Genetics (formerly Invitae), Labcorp
Classification: Pathogenic for Hereditary spastic paraplegia 11. Last evaluated: 2023-05-31. Review status: criteria provided, single submitter. Criteria: Invitae Variant Classification Sherloc (09022015). Collection method: clinical testing. Allele origin: germline.
Comment: For these reasons, this variant has been classified as Pathogenic. ClinVar contains an entry for this variant (Variation ID: 41269). This premature translational stop signal has been observed in individual(s) with autosomal recessive hereditary spastic paraplegia (PMID: 18079167, 18663179, 27071356). In at least one individual the data is consistent with being in trans (on the opposite chromosome) from a pathogenic variant. It has also been observed to segregate with disease in related individuals. This variant is present in population databases (rs312262723, gnomAD 0.01%). This sequence change creates a premature translational stop signal (p.Ser412*) in the SPG11 gene. It is expected to result in an absent or disrupted protein product. Loss-of-function variants in SPG11 are known to be pathogenic (PMID: 19105190, 20110243, 22154821, 26556829).

Equipe Genetique des Anomalies du Developpement, Université de Bourgogne
Classification: Likely pathogenic for Hereditary spastic paraplegia 11. Last evaluated: 2017-02-03. Review status: criteria provided, single submitter. Criteria: ACMG Guidelines, 2015. Collection method: clinical testing. Allele origin: unknown. Affected: yes.

Genome-Nilou Lab
Classification: Likely pathogenic for Hereditary spastic paraplegia 11. Review status: criteria provided, single submitter. Criteria: ACMG Guidelines, 2015. Collection method: clinical testing. Allele origin: germline.

Paris Brain Institute, Inserm - ICM
Classification: Pathogenic for Hereditary spastic paraplegia 11. Review status: criteria provided, single submitter. Criteria: ACMG Guidelines, 2015. Collection method: clinical testing. Allele origin: unknown. Affected: yes. Observed: 1 variant allele.

GeneReviews
No classification provided. Condition: Hereditary spastic paraplegia 11. Review status: no classification provided. Collection method: literature only. Allele origin: unknown. Not counted in ClinVar's aggregate classification.

Literature cited by the submitters: PubMed 18079167 (cited by Labcorp Genetics (formerly Invitae), Labcorp and GeneReviews); PubMed 18663179 (cited by Labcorp Genetics (formerly Invitae), Labcorp and GeneReviews); PubMed 27071356 (cited by Labcorp Genetics (formerly Invitae), Labcorp); PubMed 19105190 (cited by Labcorp Genetics (formerly Invitae), Labcorp); PubMed 20110243 (cited by Labcorp Genetics (formerly Invitae), Labcorp); PubMed 22154821 (cited by Labcorp Genetics (formerly Invitae), Labcorp); PubMed 26556829 (cited by Labcorp Genetics (formerly Invitae), Labcorp); PubMed 20301389 (cited by GeneReviews); NCBI Bookshelf NBK1210 (cited by GeneReviews).